The following is an entry in ClinVar:

ClinVar aggregate classification (germline): Uncertain significance (0 of 4 stars; one submission).

Conditions:
ZFHX3-related disorder. Also called: ZFHX3-related condition.

Submission:

PreventionGenetics, part of Exact Sciences
Classification: Uncertain significance for ZFHX3-related condition. Last evaluated: 2024-06-25. Review status: no assertion criteria provided. Collection method: clinical testing. Allele origin: germline.
Comment: The ZFHX3 c.8798C>A variant is predicted to result in the amino acid substitution p.Ser2933Tyr. To our knowledge, this variant has not been reported in the literature or in a large population database, indicating this variant is rare. At this time, the clinical significance of this variant is uncertain due to the absence of conclusive functional and genetic evidence.

NM_006885.4(ZFHX3):c.8798C>A (p.Ser2933Tyr)

Genes: ZFHX3 (zinc finger homeobox 3; minus strand), ZFHX3-AS1 (ZFHX3 antisense RNA 1; plus strand). Cytogenetic location: 16q22.2.
Variant type: single nucleotide variant.
Coding change: c.8798C>A on transcript NM_006885.4 (MANE Select); coding-DNA position 8798, C replaced by A.
Protein change: p.Ser2933Tyr; replaces serine 2933 with tyrosine.
Molecular consequence: missense variant.
Genome position (GRCh38, 1-based): chr16:72,793,884, G>T on the plus strand (C>A on the coding strand, the complement: ZFHX3 is on the minus strand). VCF-style: chr16-72793884-G-T. GRCh37 (hg19) VCF-style: chr16-72827783-G-T.
Other names: c.6056C>A, p.Ser2019Tyr (NM_001164766.2); c.8798C>A, p.Ser2933Tyr (NM_001386735.1); short protein forms S2019Y, S2933Y.
Identifiers: ClinVar variation 3345350 (VCV003345350.1).